The following is an entry in ClinVar:

ClinVar aggregate classification (germline): Uncertain significance. Review status: criteria provided, multiple submitters, no conflicts (2 of 4 stars). 2 submissions from 2 submitters: Uncertain significance (2). Last evaluated 2025-03-31.

Conditions:
Inborn genetic diseases. Identifiers: MedGen C0950123, MeSH D030342.
Jeune thoracic dystrophy. Also called: Jeune syndrome; Infantile thoracic dystrophy; Thoracic pelvic phalangeal dystrophy; Jeune's syndrome; Chondroectodermal dysplasia-like syndrome; Short-rib thoracic dysplasia. Identifiers: Orphanet 474, MedGen C0265275, MONDO:0018770.

Allele frequency attached by ClinVar (database versions not stated): gnomAD 0.00001 and 0.00002; gnomAD exomes 0.00001.
gnomAD v4.1: 20 of 1,611,034 alleles (0.0012%); highest among the groups gnomAD compares: South Asian, 0.0044%; no homozygotes.

Submissions (2):

Labcorp Genetics (formerly Invitae), Labcorp
Classification: Uncertain significance for Jeune thoracic dystrophy. Last evaluated: 2025-03-31. Review status: criteria provided, single submitter. Criteria: Invitae Variant Classification Sherloc (09022015). Collection method: clinical testing. Allele origin: germline.
Comment: This sequence change replaces alanine, which is neutral and non-polar, with valine, which is neutral and non-polar, at codon 154 of the IFT80 protein (p.Ala154Val). This variant is not present in population databases (gnomAD no frequency). This variant has not been reported in the literature in individuals affected with IFT80-related conditions. ClinVar contains an entry for this variant (Variation ID: 1061394). Invitae Evidence Modeling of protein sequence and biophysical properties (such as structural, functional, and spatial information, amino acid conservation, physicochemical variation, residue mobility, and thermodynamic stability) indicates that this missense variant is not expected to disrupt IFT80 protein function with a negative predictive value of 80%. In summary, the available evidence is currently insufficient to determine the role of this variant in disease. Therefore, it has been classified as a Variant of Uncertain Significance.

Ambry Genetics
Classification: Uncertain significance for Inborn genetic diseases. Last evaluated: 2022-10-25. Review status: criteria provided, single submitter. Criteria: Ambry Variant Classification Scheme 2023. Collection method: clinical testing. Allele origin: germline.

NM_020800.3(IFT80):c.461C>T (p.Ala154Val)

Genes: IFT80 (intraflagellar transport 80; minus strand), TRIM59-IFT80 (TRIM59-IFT80 readthrough (NMD candidate); minus strand). Cytogenetic location: 3q25.33.
Variant type: single nucleotide variant.
Coding change: c.461C>T on transcript NM_020800.3 (MANE Select); coding-DNA position 461, C replaced by T.
Protein change: p.Ala154Val; replaces alanine 154 with valine.
Molecular consequence: missense variant. On other transcripts: non-coding transcript variant (3).
Genome position (GRCh38, 1-based): chr3:160,366,131, G>A on the plus strand (C>T on the coding strand, the complement: IFT80 is on the minus strand). VCF-style: chr3-160366131-G-A. GRCh37 (hg19) VCF-style: chr3-160083919-G-A.
Other names: c.461C>T (NM_020800.2); c.50C>T, p.Ala17Val (NM_001190241.2, NM_001190242.2); short protein forms A154V, A17V.
Identifiers: ClinVar variation 1061394 (VCV001061394.8), dbSNP rs899479641, ClinGen allele CA86569588.
Genomic context (GRCh38, chr3:160,366,131, plus strand): 5'-GGTTTAATGATTAGCTGCTTGCCTGCTGTATAAAGAACCTTTTCTGAATCAGGGCCCCAC[G>A]CTACTGAATACACTGGTGTTCCTGTAAGATGAAAAAAGAAAAAAAAAAGGCTGATAAACT-3'
Protein context (NP_065851.1, residues 144-164): AQQGTPVYSV[Ala154Val]WGPDSEKVLY